The following is an entry in ClinVar:

NM_001903.5(CTNNA1):c.1920C>T (p.Asp640=)

Gene: CTNNA1 (catenin alpha 1; plus strand). Cytogenetic location: 5q31.2.
Variant type: single nucleotide variant.
Coding change: c.1920C>T on transcript NM_001903.5 (MANE Select); coding-DNA position 1920, C replaced by T.
Protein change: p.Asp640=; no amino-acid change (aspartic acid 640 retained).
Molecular consequence: synonymous variant.
Genome position (GRCh38, 1-based): chr5:138,929,266, C>T. VCF-style: chr5-138929266-C-T. GRCh37 (hg19) VCF-style: chr5-138264955-C-T.
Other names: c.1827C>T, p.Asp609= (NM_001323986.2); c.810C>T, p.Asp270= (NM_001323987.1, NM_001323988.1, NM_001323989.1 and 17 more transcripts); c.471C>T, p.Asp157= (NM_001324006.1, NM_001324007.1, NM_001324008.1 and 2 more transcripts); c.717C>T, p.Asp239= (NM_001324011.1); c.567C>T, p.Asp189= (NM_001324012.1, NM_001324013.1); c.1920C>T, p.Asp640= (NM_001290307.3, NM_001323982.2, NM_001323983.1 and 2 more transcripts); c.1611C>T, p.Asp537= (NM_001290309.3); c.1551C>T, p.Asp517= (NM_001290310.3).
Identifiers: ClinVar variation 3773261 (VCV003773261.1).

ClinVar aggregate classification (germline): Benign (1 of 4 stars; one submission).

Conditions:
Hereditary diffuse gastric adenocarcinoma (HDGC). Also called: DIFFUSE GASTRIC AND LOBULAR BREAST CANCER SYNDROME. Identifiers: Orphanet 26106, MedGen C1708349, MONDO:0007648, OMIM 137215.

Submission:

Myriad Genetics, Inc.
Classification: Benign for Hereditary diffuse gastric adenocarcinoma. Last evaluated: 2024-10-14. Review status: criteria provided, single submitter. Criteria: Myriad Autosomal Dominant, Autosomal Recessive and X-Linked Classification Criteria (2023). Collection method: clinical testing. Allele origin: unknown.
Comment: This variant is considered benign. This variant is a silent/synonymous amino acid change and it is not expected to impact splicing.